The following is an entry in ClinVar:

ClinVar aggregate classification (germline): Uncertain significance (1 of 4 stars; one submission).

Allele frequency attached by ClinVar (database versions not stated): gnomAD 0.00001; TOPMed 0.00001.
gnomAD v4.1: 4 of 1,613,984 alleles (0.00025%); highest among the groups gnomAD compares: African/African-American, 0.0027%; no homozygotes.

Submission:

Labcorp Genetics (formerly Invitae), Labcorp
Classification: Uncertain significance. Last evaluated: 2024-04-16. Review status: criteria provided, single submitter. Criteria: Invitae Variant Classification Sherloc (09022015). Collection method: clinical testing. Allele origin: germline.
Comment: This sequence change replaces alanine, which is neutral and non-polar, with threonine, which is neutral and polar, at codon 304 of the GPR45 protein (p.Ala304Thr). This variant is not present in population databases (gnomAD no frequency). This variant has not been reported in the literature in individuals affected with GPR45-related conditions. ClinVar contains an entry for this variant (Variation ID: 1910312). Algorithms developed to predict the effect of missense changes on protein structure and function output the following: SIFT: "Not Available"; PolyPhen-2: "Benign"; Align-GVGD: "Not Available". The threonine amino acid residue is found in multiple mammalian species, which suggests that this missense change does not adversely affect protein function. In summary, the available evidence is currently insufficient to determine the role of this variant in disease. Therefore, it has been classified as a Variant of Uncertain Significance.

NM_007227.3(GPR45):c.910G>A (p.Ala304Thr)

Gene: GPR45 (G protein-coupled receptor 45; plus strand). Cytogenetic location: 2q12.1.
Variant type: single nucleotide variant.
Coding change: c.910G>A on transcript NM_007227.3 (MANE Select); coding-DNA position 910, G replaced by A.
Protein change: p.Ala304Thr; replaces alanine 304 with threonine.
Molecular consequence: missense variant.
Genome position (GRCh38, 1-based): chr2:105,242,768, G>A. VCF-style: chr2-105242768-G-A. GRCh37 (hg19) VCF-style: chr2-105859225-G-A.
Other names: short protein forms A304T.
Identifiers: ClinVar variation 1910312 (VCV001910312.5), dbSNP rs1005354962, ClinGen allele CA53398550.